The following is an entry in ClinVar:

ClinVar aggregate classification (germline): Uncertain significance (1 of 4 stars; one submission).

Allele frequency attached by ClinVar (database versions not stated): gnomAD exomes below 0.00001; TOPMed 0.00002; gnomAD 0.00003.
gnomAD v4.1: 9 of 1,591,474 alleles (0.00057%); highest among the groups gnomAD compares: Non-Finnish European, 0.00077%; no homozygotes.

Submission:

Ambry Genetics
Classification: Uncertain significance. Last evaluated: 2021-06-18. Review status: criteria provided, single submitter. Criteria: Ambry Variant Classification Scheme 2023. Collection method: clinical testing. Allele origin: germline.
Comment: The p.A266V variant (also known as c.797C>T), located in coding exon 9 of the PRKDC gene, results from a C to T substitution at nucleotide position 797. The alanine at codon 266 is replaced by valine, an amino acid with similar properties. This amino acid position is conserved. In addition, the in silico prediction for this alteration is inconclusive. Since supporting evidence is limited at this time, the clinical significance of this alteration remains unclear.

NM_006904.7(PRKDC):c.797C>T (p.Ala266Val)

Gene: PRKDC (protein kinase, DNA-activated, catalytic subunit; minus strand). Cytogenetic location: 8q11.21.
Variant type: single nucleotide variant.
Coding change: c.797C>T on transcript NM_006904.7 (MANE Select); coding-DNA position 797, C replaced by T.
Protein change: p.Ala266Val; replaces alanine 266 with valine.
Molecular consequence: missense variant.
Genome position (GRCh38, 1-based): chr8:47,943,864, G>A on the plus strand (C>T on the coding strand, the complement: PRKDC is on the minus strand). VCF-style: chr8-47943864-G-A. GRCh37 (hg19) VCF-style: chr8-48856424-G-A.
Other names: c.797C>T, p.Ala266Val (NM_001081640.2); short protein forms A266V.
Identifiers: ClinVar variation 1761455 (VCV001761455.2), dbSNP rs1457124508, ClinGen allele CA371136356.